The following is an entry in ClinVar:

ClinVar aggregate classification (germline): Uncertain significance (1 of 4 stars; one submission).

Conditions:
Congenital myopathy 2b, severe infantile, autosomal recessive (CMYO2B). Identifiers: MedGen C5830300, MONDO:0859517, OMIM 620265.

Submission:

3billion
Classification: Uncertain significance for Congenital myopathy 2b, severe infantile, autosomal recessive. Last evaluated: 2025-03-07. Review status: criteria provided, single submitter. Criteria: ACMG Guidelines, 2015. Collection method: clinical testing. Allele origin: germline. Affected: yes.
Comment: The variant is not observed in the gnomAD v4.1.0 dataset. Predicted Consequence/Location: Missense variant. Missense changes are a common disease-causing mechanism. In silico tool predictions suggest damaging effect of the variant on gene or gene product [REVEL: 0.92 (>=0.6, sensitivity 0.68 and specificity 0.92); 3Cnet: 0.99 (> 0.75, sensitivity 0.96 and precision 0.92)]. Therefore, this variant is classified as VUS according to the recommendation of ACMG/AMP guideline.

NM_001100.4(ACTA1):c.277T>C (p.Tyr93His)

Gene: ACTA1 (actin alpha 1, skeletal muscle; minus strand). Cytogenetic location: 1q42.13.
Variant type: single nucleotide variant.
Coding change: c.277T>C on transcript NM_001100.4 (MANE Select); coding-DNA position 277, T replaced by C.
Protein change: p.Tyr93His; replaces tyrosine 93 with histidine.
Molecular consequence: missense variant.
Genome position (GRCh38, 1-based): chr1:229,432,733, A>G on the plus strand (T>C on the coding strand, the complement: ACTA1 is on the minus strand). VCF-style: chr1-229432733-A-G. GRCh37 (hg19) VCF-style: chr1-229568480-A-G.
Other names: short protein forms Y93H.
Identifiers: ClinVar variation 4293593 (VCV004293593.1).